The following is an entry in ClinVar:

ClinVar aggregate classification (germline): Likely pathogenic. Review status: criteria provided, multiple submitters, no conflicts (2 of 4 stars). 2 submissions from 2 submitters: Likely pathogenic (2). Last evaluated 2022-10-13.

Conditions:
Cone-rod dystrophy 2 (CORD2). Also called: CONE-ROD RETINAL DYSTROPHY; Cone-rod retinal dystrophy 2. Identifiers: Orphanet 1872, MedGen C3489532, MONDO:0007362, OMIM 120970.
Leber congenital amaurosis 7 (LCA7). Identifiers: Orphanet 65, MedGen C3151192, MONDO:0013449, OMIM 613829.
CRX-related disorders.

Submissions (2):

Labcorp Genetics (formerly Invitae), Labcorp
Classification: Likely pathogenic for Cone-rod dystrophy 2; Leber congenital amaurosis 7. Last evaluated: 2022-10-13. Review status: criteria provided, single submitter. Criteria: Invitae Variant Classification Sherloc (09022015). Collection method: clinical testing. Allele origin: germline.
Comment: This sequence change creates a premature translational stop signal (p.Thr155Asnfs*19) in the CRX gene. While this is not anticipated to result in nonsense mediated decay, it is expected to disrupt the last 145 amino acid(s) of the CRX protein. This variant is not present in population databases (gnomAD no frequency). This premature translational stop signal has been observed in individual(s) with autosomal dominant CRX-related conditions (Invitae). In at least one individual the variant was observed to be de novo. ClinVar contains an entry for this variant (Variation ID: 1384543). In summary, the currently available evidence indicates that the variant is pathogenic, but additional data are needed to prove that conclusively. Therefore, this variant has been classified as Likely Pathogenic.

Blueprint Genetics
Classification: Likely pathogenic for CRX-related disorders. Last evaluated: 2022-01-17. Review status: criteria provided, single submitter. Criteria: ACMG Guidelines, 2015. Collection method: clinical testing. Allele origin: germline. Affected: yes. Observed: 1 variant allele.

NM_000554.6(CRX):c.463dup (p.Thr155fs)

Gene: CRX (cone-rod homeobox; plus strand). Cytogenetic location: 19q13.33.
Variant type: Duplication.
Coding change: c.463dup on transcript NM_000554.6 (MANE Select); coding-DNA position 463, one base duplicated (A; older notation c.463dupA).
Protein change: p.Thr155fs; shifts the reading frame from threonine 155.
Molecular consequence: frameshift variant.
Genome position (GRCh38, 1-based): chr19:47,839,530, A duplicated. VCF-style (leftmost placement, unchanged base first): chr19-47839529-C-CA. GRCh37 (hg19) VCF-style: chr19-48342786-C-CA.
Other names: short protein forms T155fs.
Identifiers: ClinVar variation 1384543 (VCV001384543.7), dbSNP rs2123743110, ClinGen allele CA2573156490.